The following is an entry in ClinVar:

NM_001852.4(COL9A2):c.*236G>A

Gene: COL9A2 (collagen type IX alpha 2 chain; minus strand). Cytogenetic location: 1p34.2.
Variant type: single nucleotide variant.
Coding change: c.*236G>A on transcript NM_001852.4 (MANE Select); 236 bases downstream of the stop codon, G replaced by A.
Molecular consequence: 3 prime UTR variant.
Genome position (GRCh38, 1-based): chr1:40,300,946, C>T on the plus strand (G>A on the coding strand, the complement: COL9A2 is on the minus strand). VCF-style: chr1-40300946-C-T. GRCh37 (hg19) VCF-style: chr1-40766618-C-T.
Identifiers: ClinVar variation 297286 (VCV000297286.9), dbSNP rs41480445, ClinGen allele CA10610195.

ClinVar aggregate classification (germline): Benign. Review status: criteria provided, multiple submitters, no conflicts (2 of 4 stars). 3 submissions from 3 submitters: Benign (3). Last evaluated 2018-06-26.

Conditions:
Epiphyseal dysplasia, multiple, 2 (EDM2). Also called: COL9A2-Related Multiple Epiphyseal Dysplasia. Identifiers: MedGen C1838429, MONDO:0010844, OMIM 600204.

Allele frequency attached by ClinVar (database versions not stated): gnomAD 0.04299 and 0.04618; 1000 Genomes Project 0.04473; gnomAD exomes 0.00554; 1000 Genomes Project 30x 0.04638; TOPMed 0.04870.
gnomAD v4.1: 8,781 of 535,994 alleles (1.6%); highest among the groups gnomAD compares: African/African-American, 15%; 623 homozygotes.

Submissions (3):

GeneDx
Classification: Benign. Last evaluated: 2018-06-26. Review status: criteria provided, single submitter. Criteria: GeneDx Variant Classification Process June 2021. Collection method: clinical testing. Allele origin: germline. Affected: yes.

Illumina Laboratory Services, Illumina
Classification: Benign for Epiphyseal dysplasia, multiple, 2. Last evaluated: 2018-01-12. Review status: criteria provided, single submitter. Criteria: ICSL Variant Classification Criteria 13 December 2019. Collection method: clinical testing. Allele origin: germline.
Comment: This variant was observed in the ICSL laboratory as part of a predisposition screen in an ostensibly healthy population. It had not been previously curated by ICSL or reported in the Human Gene Mutation Database (HGMD: prior to June 1st, 2018), and was therefore a candidate for classification through an automated scoring system. Utilizing variant allele frequency, disease prevalence and penetrance estimates, and inheritance mode, an automated score was calculated to assess if this variant is too frequent to cause the disease. Based on the score and internal cut-off values, a variant classified as benign is not then subjected to further curation. The score for this variant resulted in a classification of benign for this disease.

Breakthrough Genomics
Classification: Benign. Review status: criteria provided, single submitter. Criteria: ACMG Guidelines, 2015. Collection method: not provided. Allele origin: germline. Inheritance: Autosomal recessive inheritance. Affected: yes.